The following is an entry in ClinVar:

ClinVar aggregate classification (germline): Uncertain significance. Review status: criteria provided, single submitter (1 of 4 stars). 2 submissions from 2 submitters: Uncertain significance (1). 1 of the submissions does not count toward it. Last evaluated 2025-06-27.

Conditions:
HEMOPHAGOCYTIC LYMPHOHISTIOCYTOSIS, FAMILIAL, 5, WITHOUT MICROVILLUS INCLUSION DISEASE.

Submissions (2):

Women's Health and Genetics/Laboratory Corporation of America, LabCorp
Classification: Uncertain significance. Last evaluated: 2025-06-27. Review status: criteria provided, single submitter. Criteria: LabCorp Variant Classification Summary - May 2015. Collection method: clinical testing. Allele origin: germline.
Comment: Variant summary: STXBP2 c.626T>C (p.Leu209Pro) results in a non-conservative amino acid change in the encoded protein sequence. Algorithms developed to predict the effect of missense changes on protein structure and function all suggest that this variant is likely to be disruptive. The variant was absent in 250928 control chromosomes. The available data on variant occurrences in the general population are insufficient to allow any conclusion about variant significance. c.626T>C has been observed in a compound heterozygous individual affected with Familial Hemophagocytic Lymphohistiocytosis (e.g. zur Stadt_2009, Rohr_2010). These data do not allow any conclusion about variant significance. At least one publication reports experimental evidence evaluating an impact on protein function, however, does not allow convincing conclusions about the variant effect (e.g. zur Stadt_2009). The following publications have been ascertained in the context of this evaluation (PMID: 20823128, 19804848). ClinVar contains an entry for this variant (Variation ID: 7861). Based on the evidence outlined above, the variant was classified as uncertain significance.

OMIM
Classification: Pathogenic for HEMOPHAGOCYTIC LYMPHOHISTIOCYTOSIS, FAMILIAL, 5, WITHOUT MICROVILLUS INCLUSION DISEASE. Last evaluated: 2009-10-01. Review status: no assertion criteria provided. Collection method: literature only. Allele origin: germline. Not counted in ClinVar's aggregate classification.

Literature cited by the submitters: PubMed 20823128 (cited by Women's Health and Genetics/Laboratory Corporation of America, LabCorp); PubMed 19804848 (cited by Women's Health and Genetics/Laboratory Corporation of America, LabCorp and OMIM).

NM_006949.4(STXBP2):c.626T>C (p.Leu209Pro)

Gene: STXBP2 (syntaxin binding protein 2; plus strand). Cytogenetic location: 19p13.2.
Variant type: single nucleotide variant.
Coding change: c.626T>C on transcript NM_006949.4 (MANE Select); coding-DNA position 626, T replaced by C.
Protein change: p.Leu209Pro; replaces leucine 209 with proline.
Molecular consequence: missense variant. On other transcripts: non-coding transcript variant (1).
Genome position (GRCh38, 1-based): chr19:7,642,081, T>C. VCF-style: chr19-7642081-T-C. GRCh37 (hg19) VCF-style: chr19-7706967-T-C.
Other names: c.617T>C, p.Leu206Pro (NM_001127396.3); c.659T>C, p.Leu220Pro (NM_001272034.2); short protein forms L209P, L206P, L220P.
Identifiers: ClinVar variation 7861 (VCV000007861.8), dbSNP rs121918541, ClinGen allele CA254263.